The following is an entry in ClinVar:

NM_152564.5(VPS13B):c.4949+6_4949+19del

Gene: VPS13B (vacuolar protein sorting 13 homolog B; plus strand). Cytogenetic location: 8q22.2.
Variant type: Deletion.
Coding change: c.4949+6_4949+19del on transcript NM_152564.5 (MANE Select); bases 6 to 19 of the intron after coding-DNA position 4949, 14 bases deleted (AAATGATTGAGAAA).
Molecular consequence: intron variant.
Genome position (GRCh38, 1-based): chr8:99,556,659-99,556,672, AAATGATTGAGAAA deleted. VCF-style (leftmost placement, unchanged base first): chr8-99556658-GAAATGATTGAGAAA-G. GRCh37 (hg19) VCF-style: chr8-100568886-GAAATGATTGAGAAA-G.
Other names: c.5024+6_5024+19del (NM_017890.5); c.4949+6_4949+19del14 (NM_152564.4).
Identifiers: ClinVar variation 2151364 (VCV002151364.4), dbSNP rs772683760, ClinGen allele CA4823682.

ClinVar aggregate classification (germline): Conflicting classifications of pathogenicity. Review status: criteria provided, conflicting classifications (1 of 4 stars). 3 submissions from 3 submitters: Uncertain significance (1); Likely benign (1). 1 of the submissions does not count toward it. Last evaluated 2022-02-23.

Conditions:
Cohen syndrome (COH1). Also called: PEPPER SYNDROME; Cutis verticis gyrata, retinitis pigmentosa, and sensorineural deafness. Identifiers: Orphanet 193, MedGen C0265223, MONDO:0008999, OMIM 216550.
VPS13B-related disorder. Also called: VPS13B-related condition.

Allele frequency attached by ClinVar (database versions not stated): gnomAD exomes 0.00002; gnomAD 0.00003; TOPMed 0.00005; ExAC 0.00007.

Submissions (3):

Blueprint Genetics
Classification: Likely benign. Last evaluated: 2022-02-23. Review status: criteria provided, single submitter. Criteria: ACMG Guidelines, 2015. Collection method: clinical testing. Allele origin: germline.

Labcorp Genetics (formerly Invitae), Labcorp
Classification: Uncertain significance for Cohen syndrome. Last evaluated: 2021-02-18. Review status: criteria provided, single submitter. Criteria: Invitae Variant Classification Sherloc (09022015). Collection method: clinical testing. Allele origin: germline.
Comment: This sequence change falls in intron 31 of the VPS13B gene. It does not directly change the encoded amino acid sequence of the VPS13B protein, but it affects a nucleotide within the consensus splice site of the intron. The frequency data for this variant in the population databases is considered unreliable, as metrics indicate poor data quality at this position in the ExAC database. This variant has not been reported in the literature in individuals with VPS13B-related conditions. Nucleotide substitutions within the consensus splice site are a relatively common cause of aberrant splicing (PMID: 17576681, 9536098). Algorithms developed to predict the effect of sequence changes on RNA splicing suggest that this variant is not likely to affect RNA splicing, but this prediction has not been confirmed by published transcriptional studies. In summary, the available evidence is currently insufficient to determine the role of this variant in disease. Therefore, it has been classified as a Variant of Uncertain Significance.

PreventionGenetics, part of Exact Sciences
Classification: Likely benign for VPS13B-related condition. Last evaluated: 2023-05-03. Review status: no assertion criteria provided. Collection method: clinical testing. Allele origin: germline. Not counted in ClinVar's aggregate classification.
Comment: This variant is classified as likely benign based on ACMG/AMP sequence variant interpretation guidelines (Richards et al. 2015 PMID: 25741868, with internal and published modifications).

Literature cited by the submitters: PubMed 17576681 (cited by Labcorp Genetics (formerly Invitae), Labcorp); PubMed 9536098 (cited by Labcorp Genetics (formerly Invitae), Labcorp).